The following is an entry in ClinVar:

ClinVar aggregate classification (germline): Uncertain significance (1 of 4 stars; one submission).

Conditions:
Progressive myoclonic epilepsy type 7. Identifiers: Orphanet 435438, MedGen C4015420, MONDO:0014521, OMIM 616187.

Submission:

Labcorp Genetics (formerly Invitae), Labcorp
Classification: Uncertain significance for Progressive myoclonic epilepsy type 7. Last evaluated: 2019-09-24. Review status: criteria provided, single submitter. Criteria: Invitae Variant Classification Sherloc (09022015). Collection method: clinical testing. Allele origin: germline.
Comment: In summary, the available evidence is currently insufficient to determine the role of this variant in disease. Therefore, it has been classified as a Variant of Uncertain Significance. Algorithms developed to predict the effect of missense changes on protein structure and function (SIFT, PolyPhen-2, Align-GVGD) all suggest that this variant is likely to be tolerated, but these predictions have not been confirmed by published functional studies and their clinical significance is uncertain. This variant has not been reported in the literature in individuals with KCNC1-related conditions. This variant is not present in population databases (ExAC no frequency). This sequence change replaces proline with leucine at codon 558 of the KCNC1 protein (p.Pro558Leu). The proline residue is weakly conserved and there is a moderate physicochemical difference between proline and leucine.

NM_001112741.2(KCNC1):c.1673C>T (p.Pro558Leu)

Gene: KCNC1 (potassium voltage-gated channel subfamily C member 1; plus strand). Cytogenetic location: 11p15.1.
Variant type: single nucleotide variant.
Coding change: c.1673C>T on transcript NM_001112741.2 (MANE Select); coding-DNA position 1673, C replaced by T.
Protein change: p.Pro558Leu; replaces proline 558 with leucine.
Molecular consequence: missense variant.
Genome position (GRCh38, 1-based): chr11:17,779,624, C>T. VCF-style: chr11-17779624-C-T. GRCh37 (hg19) VCF-style: chr11-17801171-C-T.
Other names: short protein forms P558L.
Identifiers: ClinVar variation 934989 (VCV000934989.10), dbSNP rs749270474, ClinGen allele CA379814622.